The following is an entry in ClinVar:

NM_000834.5(GRIN2B):c.1577del (p.Ser526fs)

Gene: GRIN2B (glutamate ionotropic receptor NMDA type subunit 2B; minus strand). Cytogenetic location: 12p13.1.
Variant type: Deletion.
Coding change: c.1577del on transcript NM_000834.5 (MANE Select); coding-DNA position 1577, one base deleted (C; older notation c.1577delC).
Protein change: p.Ser526fs; shifts the reading frame from serine 526.
Molecular consequence: frameshift variant.
Genome position (GRCh38, 1-based): chr12:13,615,191, G deleted on the plus strand (C on the coding strand, the reverse complement: GRIN2B is on the minus strand). VCF-style (leftmost placement, unchanged base first): chr12-13615190-AG-A. GRCh37 (hg19) VCF-style: chr12-13768124-AG-A.
Other names: c.1577del, p.Ser526fs (NM_001413992.1); short protein forms S526fs.
Identifiers: ClinVar variation 3383982 (VCV003383982.1).

ClinVar aggregate classification (germline): Pathogenic (1 of 4 stars; one submission).

Conditions:
Developmental and epileptic encephalopathy, 27 (DEE27). Also called: GRIN2B-Related Neurodevelopmental Disorder; Epileptic encephalopathy, early infantile, 27. Identifiers: Orphanet 3451, MedGen C4015316, MONDO:0014505, OMIM 616139.

Submission:

Dubai Health Genomic Medicine Center, Dubai Health
Classification: Pathogenic for Developmental and epileptic encephalopathy 27. Last evaluated: 2024-10-04. Review status: criteria provided, single submitter. Criteria: ACMG Guidelines, 2015. Collection method: research. Allele origin: germline. Affected: yes.
Comment: PVS1,PS2,PM2